The following is an entry in ClinVar:

ClinVar aggregate classification (germline): Uncertain significance (1 of 4 stars; one submission).

Conditions:
Cutis laxa, autosomal dominant 3 (ADCL3). Identifiers: Orphanet 90348, MedGen C4225268, MONDO:0014706, OMIM 616603.
Autosomal dominant spastic paraplegia type 9. Identifiers: MedGen C1832669, MONDO:0015091.
de Barsy syndrome. Also called: Cutis laxa-corneal clouding-oligophrenia syndrome. Identifiers: Orphanet 2962, MedGen C0268354, MONDO:0017569.

Submission:

Labcorp Genetics (formerly Invitae), Labcorp
Classification: Uncertain significance for Autosomal dominant spastic paraplegia type 9; de Barsy syndrome; Cutis laxa, autosomal dominant 3. Last evaluated: 2025-06-06. Review status: criteria provided, single submitter. Criteria: Invitae Variant Classification Sherloc (09022015). Collection method: clinical testing. Allele origin: germline.
Comment: This sequence change replaces glutamine, which is neutral and polar, with proline, which is neutral and non-polar, at codon 106 of the ALDH18A1 protein (p.Gln106Pro). This variant is not present in population databases (gnomAD no frequency). This variant has not been reported in the literature in individuals affected with ALDH18A1-related conditions. Invitae Evidence Modeling of protein sequence and biophysical properties (such as structural, functional, and spatial information, amino acid conservation, physicochemical variation, residue mobility, and thermodynamic stability) has been performed for this missense variant. However, the output from this modeling did not meet the statistical confidence thresholds required to predict the impact of this variant on ALDH18A1 protein function. In summary, the available evidence is currently insufficient to determine the role of this variant in disease. Therefore, it has been classified as a Variant of Uncertain Significance.

NM_002860.4(ALDH18A1):c.317A>C (p.Gln106Pro)

Gene: ALDH18A1 (aldehyde dehydrogenase 18 family member A1; minus strand). Cytogenetic location: 10q24.1.
Variant type: single nucleotide variant.
Coding change: c.317A>C on transcript NM_002860.4 (MANE Select); coding-DNA position 317, A replaced by C.
Protein change: p.Gln106Pro; replaces glutamine 106 with proline.
Molecular consequence: missense variant. On other transcripts: 5 prime UTR variant (3), intron variant (1).
Genome position (GRCh38, 1-based): chr10:95,637,423, T>G on the plus strand (A>C on the coding strand, the complement: ALDH18A1 is on the minus strand). VCF-style: chr10-95637423-T-G. GRCh37 (hg19) VCF-style: chr10-97397180-T-G.
Other names: c.317A>C, p.Gln106Pro (NM_001017423.2, NM_001323413.2, NM_001323414.2 and 2 more transcripts); c.-17A>C (NM_001323412.2, NM_001323416.2, NM_001323418.2); c.-78-3774A>C (NM_001323419.2); short protein forms Q106P.
Identifiers: ClinVar variation 4783433 (VCV004783433.1).